The following is an entry in ClinVar:

ClinVar aggregate classification (germline): Likely benign. Review status: criteria provided, multiple submitters, no conflicts (2 of 4 stars). 4 submissions from 4 submitters: Likely benign (3). 1 of the submissions does not count toward it. Last evaluated 2026-03-01.

Conditions:
Inborn genetic diseases. Identifiers: MedGen C0950123, MeSH D030342.

Allele frequency attached by ClinVar (database versions not stated): gnomAD 0.00043 and 0.00037; gnomAD exomes 0.00082; 1000 Genomes Project 30x 0.00031.
gnomAD v4.1: 757 of 998,964 alleles (0.076%); highest among the groups gnomAD compares: South Asian, 0.17%; 1 homozygote.

Submissions (4):

CeGaT Center for Human Genetics Tuebingen
Classification: Likely benign. Last evaluated: 2026-03-01. Review status: criteria provided, single submitter. Criteria: CeGaT Center For Human Genetics Tuebingen Variant Classification Criteria Version 2. Collection method: clinical testing. Allele origin: germline. Affected: yes. Observed: 4 variant alleles.
Comment: CHD3: BS1

Blueprint Genetics
Classification: Likely benign. Last evaluated: 2024-11-18. Review status: criteria provided, single submitter. Criteria: ACMG Guidelines, 2015. Collection method: clinical testing. Allele origin: germline.

Ambry Genetics
Classification: Likely benign for Inborn genetic diseases. Last evaluated: 2022-03-15. Review status: criteria provided, single submitter. Criteria: Ambry Variant Classification Scheme 2023. Collection method: clinical testing. Allele origin: germline.

Department of Pathology and Laboratory Medicine, Sinai Health System
Classification: Uncertain significance. Review status: no assertion criteria provided. Collection method: clinical testing. Allele origin: unknown. Affected: yes. Study: The Canadian Open Genetics Repository (COGR). Not counted in ClinVar's aggregate classification.
Comment: The CHD3 p.Pro84Leu variant was not identified in the literature nor was it identified in ClinVar. The variant was identified in dbSNP (ID: rs766660828) and in control databases in 7 of 24312 chromosomes at a frequency of 0.0002879 (Genome Aggregation Database March 6, 2019, v2.1.1). The variant was observed in the following populations: Other in 1 of 674 chromosomes (freq: 0.001484) and European (non-Finnish) in 6 of 13082 chromosomes (freq: 0.000459), but was not observed in the African, Latino, Ashkenazi Jewish, East Asian, European (Finnish), or South Asian populations. The p.Pro84 residue is conserved in mammals and computational analyses (PolyPhen-2, SIFT, AlignGVGD, BLOSUM, MutationTaster) provide inconsistent predictions regarding the impact to the protein; this information is not very predictive of pathogenicity. The variant occurs outside of the splicing consensus sequence and in silico or computational prediction software programs (SpliceSiteFinder, MaxEntScan, NNSPLICE, GeneSplicer) do not predict a difference in splicing. In summary, based on the above information the clinical significance of this variant cannot be determined with certainty at this time. This variant is classified as a variant of uncertain significance.

NM_001005271.3(CHD3):c.251C>T (p.Pro84Leu)

Genes: CHD3 (chromodomain helicase DNA binding protein 3; plus strand), NAA38 (N-alpha-acetyltransferase 38, NatC auxiliary subunit; minus strand). Cytogenetic location: 17p13.1.
Variant type: single nucleotide variant.
Coding change: c.251C>T on transcript NM_001005271.3; coding-DNA position 251, C replaced by T.
Protein change: p.Pro84Leu; replaces proline 84 with leucine.
Molecular consequence: missense variant. On other transcripts: intron variant (1).
Genome position (GRCh38, 1-based): chr17:7,885,057, C>T. VCF-style: chr17-7885057-C-T. GRCh37 (hg19) VCF-style: chr17-7788375-C-T.
Other names: c.251C>T, p.Pro84Leu (NM_001437504.1, NM_001437507.1, NM_001437508.1 and 1 more transcripts); c.-167+108G>A (NM_001330111.2); short protein forms P84L.
Identifiers: ClinVar variation 1049451 (VCV001049451.29), dbSNP rs766660828, ClinGen allele CA8362235.